The following is an entry in ClinVar:

NC_000013.11:g.(?_76995053)_(76995238_?)dup

Gene: CLN5 (CLN5 lysosomal BMP synthase; plus strand). Cytogenetic location: 13q22.3.
Variant type: Duplication.
Identifiers: ClinVar variation 832645 (VCV000832645.5).

ClinVar aggregate classification (germline): Likely pathogenic (1 of 4 stars; one submission).

Conditions:
Neuronal ceroid lipofuscinosis. Also called: Neuronal Ceroid Lipofuscinoses. Identifiers: Orphanet 216, Orphanet 79263, MedGen C0027877, MONDO:0016295. Disease mechanism: loss of function.

Submission:

Labcorp Genetics (formerly Invitae), Labcorp
Classification: Likely pathogenic for Neuronal ceroid lipofuscinosis. Last evaluated: 2019-09-28. Review status: criteria provided, single submitter. Criteria: Invitae Variant Classification Sherloc (09022015). Collection method: clinical testing. Allele origin: germline.
Comment: In summary, the currently available evidence indicates that the variant is pathogenic, but additional data are needed to prove that conclusively. Therefore, this variant has been classified as Likely Pathogenic. Loss-of-function variants in CLN5 are known to be pathogenic (PMID: 20157158). This variant has not been reported in the literature in individuals with CLN5-related conditions. This variant results in a copy number gain of the genomic region encompassing exon 2 of the CLN5 gene. While the exact position of this variant cannot be determined from this data, sub-genic copy number gains are generally in tandem (PMID: 25640679) and may result in an absent or disrupted protein product.

Literature cited by the submitters: PubMed 20157158; PubMed 25640679.